The following is an entry in ClinVar:

ClinVar aggregate classification (germline): Conflicting classifications of pathogenicity. Review status: criteria provided, conflicting classifications (1 of 4 stars). 2 submissions from 2 submitters: Likely pathogenic (1); Uncertain significance (1). Last evaluated 2024-07-23.

Conditions:
USH2A-related disorder. Also called: USH2A-related condition; USH2A-related disorders. Identifiers: MedGen CN239332.

Allele frequency attached by ClinVar (database versions not stated): gnomAD exomes 0.00001 and 0.00002; ExAC 0.00003; gnomAD 0.00003 and 0.00004.
gnomAD v4.1: 19 of 1,611,718 alleles (0.0012%); highest among the groups gnomAD compares: Non-Finnish European, 0.00042%; no homozygotes.

Submissions (2):

Blueprint Genetics
Classification: Likely pathogenic for USH2A-related disorders. Last evaluated: 2024-07-23. Review status: criteria provided, single submitter. Criteria: ACMG Guidelines, 2015. Collection method: clinical testing. Allele origin: germline. Affected: yes. Observed: 5 variant alleles.

Labcorp Genetics (formerly Invitae), Labcorp
Classification: Uncertain significance. Last evaluated: 2021-06-06. Review status: criteria provided, single submitter. Criteria: Invitae Variant Classification Sherloc (09022015). Collection method: clinical testing. Allele origin: germline.
Comment: This sequence change replaces glycine with glutamic acid at codon 1271 of the USH2A protein (p.Gly1271Glu). The glycine residue is highly conserved and there is a moderate physicochemical difference between glycine and glutamic acid. This variant is present in population databases (rs748216235, ExAC 0.03%). This variant has not been reported in the literature in individuals with USH2A-related conditions. Algorithms developed to predict the effect of missense changes on protein structure and function are either unavailable or do not agree on the potential impact of this missense change (SIFT: "Deleterious"; PolyPhen-2: "Probably Damaging"; Align-GVGD: "Class C0"). Algorithms developed to predict the effect of sequence changes on RNA splicing suggest that this variant may disrupt the consensus splice site, but this prediction has not been confirmed by published transcriptional studies. In summary, the available evidence is currently insufficient to determine the role of this variant in disease. Therefore, it has been classified as a Variant of Uncertain Significance.

NM_206933.4(USH2A):c.3812G>A (p.Gly1271Glu)

Genes: USH2A (usherin; minus strand), USH2A-AS1 (USH2A antisense RNA 1; plus strand). Cytogenetic location: 1q41.
Variant type: single nucleotide variant.
Coding change: c.3812G>A on transcript NM_206933.4 (MANE Select); coding-DNA position 3812, G replaced by A.
Protein change: p.Gly1271Glu; replaces glycine 1271 with glutamic acid.
Molecular consequence: missense variant.
Genome position (GRCh38, 1-based): chr1:216,198,584, C>T on the plus strand (G>A on the coding strand, the complement: USH2A is on the minus strand). VCF-style: chr1-216198584-C-T. GRCh37 (hg19) VCF-style: chr1-216371926-C-T.
Other names: c.3812G>A, p.Gly1271Glu (NM_007123.6); short protein forms G1271E.
Identifiers: ClinVar variation 1397989 (VCV001397989.9), dbSNP rs748216235, ClinGen allele CA1395893.